The following is an entry in ClinVar:

NM_000297.4(PKD2):c.2461G>A (p.Gly821Arg)

Gene: PKD2 (polycystin 2, transient receptor potential cation channel; plus strand). Cytogenetic location: 4q22.1.
Variant type: single nucleotide variant.
Coding change: c.2461G>A on transcript NM_000297.4 (MANE Select); coding-DNA position 2461, G replaced by A.
Protein change: p.Gly821Arg; replaces glycine 821 with arginine.
Molecular consequence: missense variant. On other transcripts: non-coding transcript variant (1).
Genome position (GRCh38, 1-based): chr4:88,068,000, G>A. VCF-style: chr4-88068000-G-A. GRCh37 (hg19) VCF-style: chr4-88989152-G-A.
Other names: short protein forms G821R.
Identifiers: ClinVar variation 2654938 (VCV002654938.24), dbSNP rs1720860603, ClinGen allele CA357626935.

ClinVar aggregate classification (germline): Uncertain significance (1 of 4 stars; one submission).

Allele frequency attached by ClinVar (database versions not stated): gnomAD exomes below 0.00001; gnomAD 0.00001.
gnomAD v4.1: 3 of 1,613,908 alleles (0.00019%); highest among the groups gnomAD compares: Non-Finnish European, 0.000085%; no homozygotes.

Submission:

CeGaT Center for Human Genetics Tuebingen
Classification: Uncertain significance. Last evaluated: 2022-09-01. Review status: criteria provided, single submitter. Criteria: CeGaT Center For Human Genetics Tuebingen Variant Classification Criteria Version 2. Collection method: clinical testing. Allele origin: germline. Affected: yes. Observed: 1 variant allele.
Comment: PKD2: PS2, PP3